The following is an entry in ClinVar:

NM_001330311.2(DVL1):c.661C>T (p.Arg221Cys)

Gene: DVL1 (dishevelled segment polarity protein 1; minus strand). Cytogenetic location: 1p36.33.
Variant type: single nucleotide variant.
Coding change: c.661C>T on transcript NM_001330311.2 (MANE Select); coding-DNA position 661, C replaced by T.
Protein change: p.Arg221Cys; replaces arginine 221 with cysteine.
Molecular consequence: missense variant.
Genome position (GRCh38, 1-based): chr1:1,340,448, G>A on the plus strand (C>T on the coding strand, the complement: DVL1 is on the minus strand). VCF-style: chr1-1340448-G-A. GRCh37 (hg19) VCF-style: chr1-1275828-G-A.
Other names: c.661C>T, p.Arg221Cys (NM_004421.3); short protein forms R221C.
Identifiers: ClinVar variation 3251732 (VCV003251732.1), dbSNP rs373859236.

ClinVar aggregate classification (germline): Uncertain significance (1 of 4 stars; one submission).

Allele frequency attached by ClinVar (database versions not stated): gnomAD exomes below 0.00001; gnomAD 0.00001; ESP Exome Variant Server 0.00008.

Submission:

Women's Health and Genetics/Laboratory Corporation of America, LabCorp
Classification: Uncertain significance. Last evaluated: 2024-04-24. Review status: criteria provided, single submitter. Criteria: LabCorp Variant Classification Summary - May 2015. Collection method: clinical testing. Allele origin: germline.
Comment: Variant summary: DVL1 c.661C>T (p.Arg221Cys) results in a non-conservative amino acid change located in the Dishevelled protein domain (IPR003351) of the encoded protein sequence. Four of five in-silico tools predict a damaging effect of the variant on protein function. The variant allele was found at a frequency of 4.1e-06 in 244012 control chromosomes (gnomAD v2.1). The available data on variant occurrences in the general population are insufficient to allow any conclusion about variant significance. To our knowledge, no occurrence of c.661C>T in individuals affected with Autosomal Dominant Robinow Syndrome 2 and no experimental evidence demonstrating its impact on protein function have been reported. No submitters have cited clinical-significance assessments for this variant to ClinVar. Based on the evidence outlined above, the variant was classified as uncertain significance.